The following is an entry in ClinVar:

NM_005026.5(PIK3CD):c.878C>T (p.Ala293Val)

Gene: PIK3CD (phosphatidylinositol-4,5-bisphosphate 3-kinase catalytic subunit delta; plus strand). Cytogenetic location: 1p36.22.
Variant type: single nucleotide variant.
Coding change: c.878C>T on transcript NM_005026.5 (MANE Select); coding-DNA position 878, C replaced by T.
Protein change: p.Ala293Val; replaces alanine 293 with valine.
Molecular consequence: missense variant.
Genome position (GRCh38, 1-based): chr1:9,717,056, C>T. VCF-style: chr1-9717056-C-T. GRCh37 (hg19) VCF-style: chr1-9777114-C-T.
Other names: c.878C>T, p.Ala293Val (NM_001350234.2); c.791C>T, p.Ala264Val (NM_001350235.1); short protein forms A293V, A264V.
Identifiers: ClinVar variation 840531 (VCV000840531.10), dbSNP rs765061150, ClinGen allele CA338301599.

ClinVar aggregate classification (germline): Uncertain significance (1 of 4 stars; one submission).

Conditions:
Immunodeficiency 14 (IMD14A). Also called: p110-DELTA-ACTIVATING MUTATION CAUSING SENESCENT T CELLS, LYMPHADENOPATHY, AND IMMUNODEFICIENCY; Activated PI3K Delta Syndrome Type 1 (APDS1); ACTIVATED PI3K-DELTA SYNDROME 1; IMMUNODEFICIENCY 14A WITH LYMPHOPROLIFERATION, AUTOSOMAL DOMINANT. Identifiers: Orphanet 397596, Orphanet 693661, MedGen C5907821, MONDO:0014222, OMIM 615513.

gnomAD v4.1: 12 of 1,613,964 alleles (0.00074%); highest among the groups gnomAD compares: Non-Finnish European, 0.001%; no homozygotes.

Submission:

Labcorp Genetics (formerly Invitae), Labcorp
Classification: Uncertain significance for Activated PI3K-delta syndrome. Last evaluated: 2019-03-22. Review status: criteria provided, single submitter. Criteria: Invitae Variant Classification Sherloc (09022015). Collection method: clinical testing. Allele origin: germline.
Comment: This variant has not been reported in the literature in individuals with PIK3CD-related conditions. Algorithms developed to predict the effect of missense changes on protein structure and function (SIFT, PolyPhen-2, Align-GVGD) all suggest that this variant is likely to be tolerated, but these predictions have not been confirmed by published functional studies and their clinical significance is uncertain. In summary, the available evidence is currently insufficient to determine the role of this variant in disease. Therefore, it has been classified as a Variant of Uncertain Significance. This sequence change replaces alanine with valine at codon 293 of the PIK3CD protein (p.Ala293Val). The alanine residue is weakly conserved and there is a small physicochemical difference between alanine and valine. This variant is not present in population databases (ExAC no frequency).